The following is an entry in ClinVar:

NM_016151.4(TAOK2):c.2200G>T (p.Ala734Ser)

Gene: TAOK2 (TAO kinase 2; plus strand). Cytogenetic location: 16p11.2.
Variant type: single nucleotide variant.
Coding change: c.2200G>T on transcript NM_016151.4 (MANE Select); coding-DNA position 2200, G replaced by T.
Protein change: p.Ala734Ser; replaces alanine 734 with serine.
Molecular consequence: missense variant.
Genome position (GRCh38, 1-based): chr16:29,986,472, G>T. VCF-style: chr16-29986472-G-T. GRCh37 (hg19) VCF-style: chr16-29997793-G-T.
Other names: c.2200G>T, p.Ala734Ser (NM_001252043.2, NM_004783.4); short protein forms A734S.
Identifiers: ClinVar variation 1388037 (VCV001388037.6), dbSNP rs775467090, ClinGen allele CA7998333.
Genomic context (GRCh38, chr16:29,986,472, plus strand): 5'-CTGGGCAACCAGCTGGAGTACAACAAGCGGCGTGAGCAAGAGTTGCGGCAGAAGCATGCG[G>T]CCCAGGTTCGCCAGCAGCCCAAGAGCCTCAAAGTACGTGCAGGCCAGCGCCCCCCGGGCC-3'
Protein context (NP_057235.2, residues 724-744): REQELRQKHA[Ala734Ser]QVRQQPKSLK

ClinVar aggregate classification (germline): Uncertain significance (1 of 4 stars; one submission).

Allele frequency attached by ClinVar (database versions not stated): gnomAD exomes 0.00002 and 0.00003; ExAC 0.00004; TOPMed 0.00005; gnomAD 0.00006 and 0.00007.
gnomAD v4.1: 43 of 1,603,242 alleles (0.0027%); highest among the groups gnomAD compares: Non-Finnish European, 0.00077%; no homozygotes.

Submission:

Labcorp Genetics (formerly Invitae), Labcorp
Classification: Uncertain significance. Last evaluated: 2025-03-04. Review status: criteria provided, single submitter. Criteria: Invitae Variant Classification Sherloc (09022015). Collection method: clinical testing. Allele origin: germline.
Comment: This sequence change replaces alanine, which is neutral and non-polar, with serine, which is neutral and polar, at codon 734 of the TAOK2 protein (p.Ala734Ser). This variant is present in population databases (rs775467090, gnomAD 0.09%). This variant has not been reported in the literature in individuals affected with TAOK2-related conditions. ClinVar contains an entry for this variant (Variation ID: 1388037). An algorithm developed to predict the effect of missense changes on protein structure and function (PolyPhen-2) suggests that this variant is likely to be tolerated. In summary, the available evidence is currently insufficient to determine the role of this variant in disease. Therefore, it has been classified as a Variant of Uncertain Significance.